The following is an entry in ClinVar:

NM_030958.3(SLCO5A1):c.2218G>T (p.Gly740Cys)

Gene: SLCO5A1 (solute carrier organic anion transporter family member 5A1; minus strand). Cytogenetic location: 8q13.3.
Variant type: single nucleotide variant.
Coding change: c.2218G>T on transcript NM_030958.3 (MANE Select); coding-DNA position 2218, G replaced by T.
Protein change: p.Gly740Cys; replaces glycine 740 with cysteine.
Molecular consequence: missense variant. On other transcripts: 3 prime UTR variant (1).
Genome position (GRCh38, 1-based): chr8:69,673,198, C>A on the plus strand (G>T on the coding strand, the complement: SLCO5A1 is on the minus strand). VCF-style: chr8-69673198-C-A. GRCh37 (hg19) VCF-style: chr8-70585433-C-A.
Other names: c.*89G>T (NM_001146008.2); c.2053G>T, p.Gly685Cys (NM_001146009.1); short protein forms G685C, G740C.
Identifiers: ClinVar variation 4772834 (VCV004772834.1).

ClinVar aggregate classification (germline): Uncertain significance (1 of 4 stars; one submission).

gnomAD v4.1: 3 of 1,614,012 alleles (0.00019%); highest among the groups gnomAD compares: Admixed American, 0.0033%; no homozygotes.

Submission:

Labcorp Genetics (formerly Invitae), Labcorp
Classification: Uncertain significance. Last evaluated: 2025-01-31. Review status: criteria provided, single submitter. Criteria: Invitae Variant Classification Sherloc (09022015). Collection method: clinical testing. Allele origin: germline.
Comment: This sequence change replaces glycine, which is neutral and non-polar, with cysteine, which is neutral and slightly polar, at codon 740 of the SLCO5A1 protein (p.Gly740Cys). This variant is present in population databases (rs760726589, gnomAD 0.006%). This variant has not been reported in the literature in individuals affected with SLCO5A1-related conditions. An algorithm developed to predict the effect of missense changes on protein structure and function (PolyPhen-2) suggests that this variant is likely to be disruptive. In summary, the available evidence is currently insufficient to determine the role of this variant in disease. Therefore, it has been classified as a Variant of Uncertain Significance.